The following is an entry in ClinVar:

ClinVar aggregate classification (germline): Uncertain significance (1 of 4 stars; one submission).

gnomAD v4.1: 11 of 1,614,062 alleles (0.00068%); highest among the groups gnomAD compares: Non-Finnish European, 0.00085%; no homozygotes.

Submission:

Mayo Clinic Laboratories, Mayo Clinic
Classification: Uncertain significance. Last evaluated: 2024-05-07. Review status: criteria provided, single submitter. Criteria: ACMG Guidelines, 2015. Collection method: clinical testing. Allele origin: germline. Observed: 1 variant allele.
Comment: PM2_moderate

NM_018668.5(VPS33B):c.108A>T (p.Lys36Asn)

Gene: VPS33B (VPS33B late endosome and lysosome associated; minus strand). Cytogenetic location: 15q26.1.
Variant type: single nucleotide variant.
Coding change: c.108A>T on transcript NM_018668.5 (MANE Select); coding-DNA position 108, A replaced by T.
Protein change: p.Lys36Asn; replaces lysine 36 with asparagine.
Molecular consequence: missense variant. On other transcripts: 5 prime UTR variant (1), intron variant (1).
Genome position (GRCh38, 1-based): chr15:91,017,874, T>A on the plus strand (A>T on the coding strand, the complement: VPS33B is on the minus strand). VCF-style: chr15-91017874-T-A. GRCh37 (hg19) VCF-style: chr15-91561104-T-A.
Other names: p.Lys36Asn; c.-104A>T (NM_001289149.1); c.97-850A>T (NM_001289148.1); short protein forms K36N.
Identifiers: ClinVar variation 3380331 (VCV003380331.1).
Genomic context (GRCh38, chr15:91,017,874, plus strand): 5'-GGAGACATTGGCAATTCGATCCAAAGGGCTCATGAGATCTGCCTCAATGAATAAATCCTT[T>A]TTTCCAGGAAGCTGAAGGAGACACAATATGTTGGGTCACTCACAGGTCACATGAGCTTCC-3'
Protein context (NP_061138.3, residues 26-46): LIYLLEQLPG[Lys36Asn]KDLFIEADLM